The following is an entry in ClinVar:

ClinVar aggregate classification (germline): Uncertain significance (1 of 4 stars; one submission).

Conditions:
Hereditary diffuse gastric adenocarcinoma (HDGC). Also called: DIFFUSE GASTRIC AND LOBULAR BREAST CANCER SYNDROME. Identifiers: Orphanet 26106, MedGen C1708349, MONDO:0007648, OMIM 137215.

Submission:

Labcorp Genetics (formerly Invitae), Labcorp
Classification: Uncertain significance for Hereditary diffuse gastric adenocarcinoma. Last evaluated: 2019-04-09. Review status: criteria provided, single submitter. Criteria: Invitae Variant Classification Sherloc (09022015). Collection method: clinical testing. Allele origin: germline.
Comment: In summary, the available evidence is currently insufficient to determine the role of this variant in disease. Therefore, it has been classified as a Variant of Uncertain Significance. Algorithms developed to predict the effect of missense changes on protein structure and function (SIFT, PolyPhen-2, Align-GVGD) all suggest that this variant is likely to be tolerated, but these predictions have not been confirmed by published functional studies and their clinical significance is uncertain. This sequence change replaces isoleucine with phenylalanine at codon 651 of the CDH1 protein (p.Ile651Phe). The isoleucine residue is moderately conserved and there is a small physicochemical difference between isoleucine and phenylalanine. This variant is not present in population databases (ExAC no frequency). This variant has not been reported in the literature in individuals with CDH1-related conditions.

NM_004360.5(CDH1):c.1951A>T (p.Ile651Phe)

Gene: CDH1 (cadherin 1; plus strand). Cytogenetic location: 16q22.1.
Variant type: single nucleotide variant.
Coding change: c.1951A>T on transcript NM_004360.5 (MANE Select); coding-DNA position 1951, A replaced by T.
Protein change: p.Ile651Phe; replaces isoleucine 651 with phenylalanine.
Molecular consequence: missense variant. On other transcripts: 5 prime UTR variant (1).
Genome position (GRCh38, 1-based): chr16:68,823,413, A>T. VCF-style: chr16-68823413-A-T. GRCh37 (hg19) VCF-style: chr16-68857316-A-T.
Other names: c.1768A>T, p.Ile590Phe (NM_001317184.2); c.403A>T, p.Ile135Phe (NM_001317185.2); c.-15A>T (NM_001317186.2); short protein forms I590F, I651F, I135F.
Identifiers: ClinVar variation 864801 (VCV000864801.10), dbSNP rs876660503, ClinGen allele CA396467527.